The following is an entry in ClinVar:

ClinVar aggregate classification (germline): Uncertain significance (1 of 4 stars; one submission).

Conditions:
Shukla-Vernon syndrome. Identifiers: MedGen C5193146, MONDO:0026727, OMIM 301029.

Allele frequency attached by ClinVar (database versions not stated): gnomAD 0.00001; gnomAD exomes 0.00004.
gnomAD v4.1: 43 of 1,209,221 alleles (0.0036%); highest among the groups gnomAD compares: Non-Finnish European, 0.0046%; no homozygotes.

Submission:

Victorian Clinical Genetics Services, Murdoch Childrens Research Institute
Classification: Uncertain significance for Shukla-Vernon syndrome. Last evaluated: 2021-05-06. Review status: criteria provided, single submitter. Criteria: ACMG Guidelines, 2015. Collection method: clinical testing. Allele origin: germline. Inheritance: X-linked recessive inheritance. Affected: yes.
Comment: Based on the classification scheme VCGS_Germline_v1.3.4, this variant is classified as VUS-3B. Following criteria are met: 0105 - The mechanism of disease for this gene is not clearly established. (I) 0109 - This gene is associated with X-linked recessive disease. (I) 0200 - Variant is predicted to result in a missense amino acid change from glycine to valine. (I) 0253 - This variant is hemizygous. (I) 0304 - Variant is present in gnomAD (v2) <0.01 for a recessive condition (3 heterozygotes, 0 homozygotes, 0 hemizygotes). (SP) 0309 - An alternative amino acid change at the same position has been observed in gnomAD (v3) (0 heterozygotes, 0 homozygotes, 1 hemizygote). (I) 0502 - Missense variant with conflicting in silico predictions and uninformative conservation. (I) 0604 - Variant is not located in an established domain, motif, hotspot or informative constraint region. (I) 0705 - No comparable missense variants have previous evidence for pathogenicity. (I) 0807 - This variant has no previous evidence of pathogenicity. (I) 0905 - No published segregation evidence has been identified for this variant. (I) 1007 - No published functional evidence has been identified for this variant. (I) Legend: (SP) - Supporting pathogenic, (I) - Information, (SB) - Supporting benign

NM_001379451.1(BCORL1):c.2018G>T (p.Gly673Val)

Gene: BCORL1 (BCL6 corepressor like 1; plus strand). Cytogenetic location: Xq26.1.
Variant type: single nucleotide variant.
Coding change: c.2018G>T on transcript NM_001379451.1 (MANE Select); coding-DNA position 2018, G replaced by T.
Protein change: p.Gly673Val; replaces glycine 673 with valine.
Molecular consequence: missense variant.
Genome position (GRCh38, 1-based): chrX:130,014,790, G>T. VCF-style: chrX-130014790-G-T. GRCh37 (hg19) VCF-style: chrX-129148766-G-T.
Other names: c.2018G>T, p.Gly673Val (NM_001184772.3, NM_001379450.1, NM_021946.5); short protein forms G673V.
Identifiers: ClinVar variation 1804936 (VCV001804936.1), dbSNP rs1433370540, ClinGen allele CA414588031.